The following is an entry in ClinVar:

ClinVar aggregate classification (germline): Likely benign (1 of 4 stars; one submission).

Conditions:
Mitochondrial complex III deficiency nuclear type 4. Identifiers: MedGen C3554607, MONDO:0014065, OMIM 615159.

Allele frequency attached by ClinVar (database versions not stated): gnomAD exomes 0.00297; gnomAD 0.02232 and 0.02400; TOPMed 0.02456; 1000 Genomes Project 0.02556; 1000 Genomes Project 30x 0.02717.

Submission:

Illumina Laboratory Services, Illumina
Classification: Likely benign for Mitochondrial complex III deficiency nuclear type 4. Last evaluated: 2018-01-13. Review status: criteria provided, single submitter. Criteria: ICSL Variant Classification Criteria 13 December 2019. Collection method: clinical testing. Allele origin: germline.
Comment: This variant was observed in the ICSL laboratory as part of a predisposition screen in an ostensibly healthy population. It had not been previously curated by ICSL or reported in the Human Gene Mutation Database (HGMD: prior to June 1st, 2018), and was therefore a candidate for classification through an automated scoring system. Utilizing variant allele frequency, disease prevalence and penetrance estimates, and inheritance mode, an automated score was calculated to assess if this variant is too frequent to cause the disease. Based on the score and internal cut-off values, a variant classified as likely benign is not then subjected to further curation. The score for this variant resulted in a classification of likely benign for this disease.

NM_014402.5(UQCRQ):c.*334C>T

Gene: UQCRQ (ubiquinol-cytochrome c reductase complex III subunit VII; plus strand). Cytogenetic location: 5q31.1.
Variant type: single nucleotide variant.
Coding change: c.*334C>T on transcript NM_014402.5 (MANE Select); 334 bases downstream of the stop codon, C replaced by T.
Molecular consequence: 3 prime UTR variant.
Genome position (GRCh38, 1-based): chr5:132,867,916, C>T. VCF-style: chr5-132867916-C-T. GRCh37 (hg19) VCF-style: chr5-132203608-C-T.
Identifiers: ClinVar variation 350846 (VCV000350846.5), dbSNP rs4415070, ClinGen allele CA10622634.